The following is an entry in ClinVar:

NM_001267550.2(TTN):c.83788_83789del (p.Glu27930fs)

Genes: TTN-AS1 (TTN antisense RNA 1; plus strand), TTN (titin; minus strand). Cytogenetic location: 2q31.2.
Variant type: Microsatellite.
Coding change: c.83788_83789del on transcript NM_001267550.2 (MANE Select); coding-DNA positions 83788 to 83789, 2 bases deleted (GA; older notation c.83788_83789delGA).
Protein change: p.Glu27930fs; shifts the reading frame from glutamic acid 27930.
Molecular consequence: frameshift variant.
Genome position (GRCh38, 1-based): chr2:178,562,343-178,562,344, TC deleted on the plus strand (GA on the coding strand, the reverse complement: TTN is on the minus strand); deleting any 2 consecutive bases within chr2:178,562,343-178,562,346 gives the same sequence; the c. name uses the placement nearest the transcript's 3' end. VCF-style (leftmost placement, unchanged base first): chr2-178562342-TTC-T. GRCh37 (hg19) VCF-style: chr2-179427069-TTC-T.
Other names: c.78865_78866del, p.Glu26289fs (NM_001256850.1); c.56593_56594del, p.Glu18865fs (NM_003319.4); c.76084_76085del, p.Glu25362fs (NM_133378.4); c.83788_83789delGA (NM_001267550.2); c.56968_56969del, p.Glu18990fs (NM_133432.3); c.57169_57170del, p.Glu19057fs (NM_133437.4); short protein forms E18865fs, E25362fs, E26289fs, E19057fs, E27930fs, E18990fs.
Identifiers: ClinVar variation 466663 (VCV000466663.9), dbSNP rs1553567622, ClinGen allele CA658657130.

ClinVar aggregate classification (germline): Likely pathogenic (1 of 4 stars; one submission).

Conditions:
Autosomal recessive limb-girdle muscular dystrophy type 2J (LGMDR10). Also called: Limb-girdle muscular dystrophy, type 2J; MUSCULAR DYSTROPHY, LIMB-GIRDLE, AUTOSOMAL RECESSIVE 10. Identifiers: Orphanet 140922, MedGen C1837342, MONDO:0012127, OMIM 608807.
Dilated cardiomyopathy 1G (CMD1G). Identifiers: Orphanet 154, MedGen C1858763, MONDO:0011400, OMIM 604145.

Submission:

Labcorp Genetics (formerly Invitae), Labcorp
Classification: Likely pathogenic for Dilated cardiomyopathy 1G; Autosomal recessive limb-girdle muscular dystrophy type 2J. Last evaluated: 2017-09-05. Review status: criteria provided, single submitter. Criteria: Invitae Variant Classification Sherloc (09022015). Collection method: clinical testing. Allele origin: germline.
Comment: This sequence change creates a premature translational stop signal (p.Glu27930Argfs*10) in the TTN gene. It is expected to result in an absent or disrupted protein product. This variant is not present in population databases (ExAC no frequency). For these reasons, this variant has been classified as Likely Pathogenic. This variant is found in the A-band of this gene. While this particular variant has not been reported in the literature, truncating variants in the A-band of TTN are significantly overrepresented in patients with dilated cardiomyopathy and are considered to be likely pathogenic for the disease (PMID: 25589632).

Literature cited by the submitters: PubMed 25589632.